The following is an entry in ClinVar:

ClinVar aggregate classification (germline): Conflicting classifications of pathogenicity. Review status: criteria provided, conflicting classifications (1 of 4 stars). 13 submissions from 13 submitters: Uncertain significance (12); Likely benign (1). Last evaluated 2026-05-08.

Conditions:
Mismatch repair cancer syndrome 4. Identifiers: MedGen C5436817, MONDO:0030843, OMIM 619101.
Lynch syndrome 4 (LYNCH4). Also called: Hereditary non-polyposis colorectal cancer, type 4; Colorectal cancer, hereditary nonpolyposis, type 4. Identifiers: Orphanet 144, MedGen C1838333, MONDO:0013699, OMIM 614337. Disease mechanism: loss of function.
Hereditary nonpolyposis colorectal neoplasms. Identifiers: MedGen C0009405, MeSH D003123.
PMS2-related disorder. Also called: PMS2-related condition.
Hereditary cancer-predisposing syndrome. Also called: Tumor predisposition; Hereditary neoplastic syndrome; Hereditary Cancer Syndrome; Neoplastic Syndromes, Hereditary. Identifiers: Orphanet 140162, MedGen C0027672, MeSH D009386, MONDO:0015356.

Allele frequency attached by ClinVar (database versions not stated): gnomAD 0.00001; gnomAD exomes 0.00002.
gnomAD v4.1: 25 of 1,564,020 alleles (0.0016%); highest among the groups gnomAD compares: Non-Finnish European, 0.0021%; no homozygotes.

Submissions (13):

PreventionGenetics, part of Exact Sciences
Classification: Uncertain significance for PMS2-related condition. Last evaluated: 2026-05-08. Review status: criteria provided, single submitter. Criteria: ACMG Guidelines, 2015. Collection method: clinical testing. Allele origin: germline.
Comment: The PMS2 c.2438G>T variant is predicted to result in the amino acid substitution p.Arg813Leu. This variant has been reported in individuals with breast cancer or colorectal cancer (eTable 2, Pearlman et al. 2017. PubMed ID: 27978560; Supplementary Table 2, Nikitin et al. 2020. PubMed ID: 32547938; Supplemental Table, Breast Cancer Association Consortium et al. 2021. PubMed ID: 33471991). This variant is reported in 0.0020% of alleles in individuals of European (Non-Finnish) descent in gnomAD and has conflicting interpretations in ClinVar, ranging from uncertain to likely benign (Variation ID: 142715). At this time, the clinical significance of this variant is uncertain due to the absence of conclusive functional and genetic evidence.

Labcorp Genetics (formerly Invitae), Labcorp
Classification: Uncertain significance for Hereditary nonpolyposis colorectal neoplasms. Last evaluated: 2025-12-15. Review status: criteria provided, single submitter. Criteria: Invitae Variant Classification Sherloc (09022015). Collection method: clinical testing. Allele origin: germline.
Comment: This sequence change replaces arginine, which is basic and polar, with leucine, which is neutral and non-polar, at codon 813 of the PMS2 protein (p.Arg813Leu). The frequency data for this variant in the population databases (gnomAD) is considered unreliable due to the presence of homologous sequence, such as pseudogenes or paralogs, in the genome. This missense change has been observed in individual(s) with colon cancer (PMID: 27978560, 38925456). ClinVar contains an entry for this variant (Variation ID: 142715). Invitae Evidence Modeling incorporating data from in vitro experimental studies (internal data) indicates that this missense variant is not expected to disrupt PMS2 function with a negative predictive value of 95%. In summary, the available evidence is currently insufficient to determine the role of this variant in disease. Therefore, it has been classified as a Variant of Uncertain Significance.

Ambry Genetics
Classification: Uncertain significance for Hereditary cancer-predisposing syndrome. Last evaluated: 2025-11-07. Review status: criteria provided, single submitter. Criteria: Ambry Variant Classification Scheme 2023. Collection method: clinical testing. Allele origin: germline.
Comment: The p.R813L variant (also known as c.2438G>T), located in coding exon 14 of the PMS2 gene, results from a G to T substitution at nucleotide position 2438. The arginine at codon 813 is replaced by leucine, an amino acid with dissimilar properties. This alteration was identified in two patients with colorectal cancer diagnosed prior to age 50, but both tumors were mismatch repair proficient, and authors classified this alteration as a variant of unknown significance (Pearlman R et al. JAMA Oncol. 2017 Apr;3:464-471). This amino acid position is highly conserved in available vertebrate species. In addition, this alteration is predicted to be deleterious by in silico analysis. Based on the available evidence, the clinical significance of this variant remains unclear.

CeGaT Center for Human Genetics Tuebingen
Classification: Uncertain significance. Last evaluated: 2025-09-01. Review status: criteria provided, single submitter. Criteria: CeGaT Center For Human Genetics Tuebingen Variant Classification Criteria Version 2. Collection method: clinical testing. Allele origin: germline. Affected: yes. Observed: 1 variant allele.
Comment: PMS2: PP3

GeneDx
Classification: Uncertain significance. Last evaluated: 2025-05-01. Review status: criteria provided, single submitter. Criteria: GeneDx Variant Classification Process June 2021. Collection method: clinical testing. Allele origin: germline. Affected: yes.
Comment: Not observed at significant frequency in large population cohorts (gnomAD); In silico analysis supports that this missense variant has a deleterious effect on protein structure/function; Observed in individuals with early-onset colorectal cancer whose tumors demonstrated intact PMS2 expression as well as in an individual with breast cancer (PMID: 27978560, 33471991); This variant is associated with the following publications: (PMID: 29596542, 32547938, 33471991, Fukui2011[Chapter], 18619468, 27978560)

Myriad Genetics, Inc.
Classification: Likely benign for Lynch syndrome 4. Last evaluated: 2025-02-04. Review status: criteria provided, single submitter. Criteria: Myriad Autosomal Dominant, Autosomal Recessive and X-Linked Classification Criteria (2023). Collection method: clinical testing. Allele origin: unknown.
Comment: This variant is considered likely benign. This variant has been observed in trans with a known pathogenic variant in one or more individuals lacking clinical features consistent with gene-specific recessive disease.

Quest Diagnostics Nichols Institute San Juan Capistrano
Classification: Uncertain significance. Last evaluated: 2024-10-25. Review status: criteria provided, single submitter. Criteria: Quest Diagnostics criteria. Collection method: clinical testing. Allele origin: unknown.
Comment: The PMS2 c.2438G>T (p.Arg813Leu) variant has been reported in the published literature in individuals with breast cancer (PMID: 32547938 (2020), 33471991 (2021), see also LOVD). This variant has also been identified in individuals with colorectal cancer (PMID: 27978560 (2016)). The frequency of this variant in the general population, 0.0000085 (2/235130 chromosomes (Genome Aggregation Database)), is uninformative in the assessment of its pathogenicity. Analysis of this variant using bioinformatics tools for the prediction of the effect of amino acid changes on protein structure and function yielded predictions that this variant is damaging. Based on the available information, we are unable to determine the clinical significance of this variant.

Women's Health and Genetics/Laboratory Corporation of America, LabCorp
Classification: Uncertain significance. Last evaluated: 2024-05-13. Review status: criteria provided, single submitter. Criteria: LabCorp Variant Classification Summary - May 2015. Collection method: clinical testing. Allele origin: germline.
Comment: Variant summary: PMS2 c.2438G>T (p.Arg813Leu) results in a non-conservative amino acid change located in the mutL, C-terminal, dimerisation domain (IPR014790) of the encoded protein sequence. Five of five in-silico tools predict a damaging effect of the variant on protein function. The variant allele was found at a frequency of 4.9e-06 in 205050 control chromosomes. The available data on variant occurrences in the general population are insufficient to allow any conclusion about variant significance. c.2438G>T has been reported in the literature in at least two individuals affected with colon cancer (e.g., Pearlman_2017). However, these report(s) do not provide unequivocal conclusions about association of the variant with Lynch Syndrome, as the MMR activity in these two individuals was found to be proficient. The following publication has been ascertained in the context of this evaluation (PMID: 27978560). ClinVar contains an entry for this variant (Variation ID: 142715). Based on the evidence outlined above, the variant was classified as uncertain significance.

Fulgent Genetics
Classification: Uncertain significance for Lynch syndrome 4; Mismatch repair cancer syndrome 4. Last evaluated: 2024-03-01. Review status: criteria provided, single submitter. Criteria: ACMG Guidelines, 2015. Collection method: clinical testing. Allele origin: germline.

Color Diagnostics, LLC DBA Color Health
Classification: Uncertain significance for Hereditary cancer-predisposing syndrome. Last evaluated: 2023-10-12. Review status: criteria provided, single submitter. Criteria: ACMG Guidelines, 2015. Collection method: clinical testing. Allele origin: germline.
Comment: This missense variant replaces arginine with leucine at codon 813 of the PMS2 protein. Computational prediction suggests that this variant may have deleterious impact on protein structure and function (internally defined REVEL score threshold >= 0.7, PMID: 27666373). To our knowledge, functional studies have not been reported for this variant. This variant has not been reported in individuals affected with PMS2-related disorders in the literature. This variant has been identified in 2/235130 chromosomes in the general population by the Genome Aggregation Database (gnomAD). The available evidence is insufficient to determine the role of this variant in disease conclusively. Therefore, this variant is classified as a Variant of Uncertain Significance.

Baylor Genetics
Classification: Uncertain significance for Lynch syndrome 4. Last evaluated: 2023-09-26. Review status: criteria provided, single submitter. Criteria: ACMG Guidelines, 2015. Collection method: clinical testing. Allele origin: unknown.

Institute for Clinical Genetics, University Hospital TU Dresden, University Hospital TU Dresden
Classification: Uncertain significance. Last evaluated: 2021-11-03. Review status: criteria provided, single submitter. Criteria: ACMG Guidelines, 2015. Collection method: clinical testing. Allele origin: germline.

ARUP Laboratories, Molecular Genetics and Genomics, ARUP Laboratories
Classification: Uncertain significance. Last evaluated: 2021-05-11. Review status: criteria provided, single submitter. Criteria: ARUP Molecular Germline Variant Investigation Process 2021. Collection method: clinical testing. Allele origin: germline.
Comment: The PMS2 c.2438G>T; p.Arg813Leu variant (rs587782665) is reported in the literature in two individuals with colon cancer; however, the MMR activity remained intact in these tumors and the variant was described as a variant of uncertain significance (Pearlman 2017). The variant is also reported in the ClinVar database as a variant of uncertain significance by several sources (Variation ID: 142715). Although this variant is only observed on two alleles in the Genome Aggregation Database, the genome and exome data for variants in this region of PMS2 are not reliable due to pseudogene homology. The arginine at codon 813 is highly conserved, and computational analyses predict that this variant is deleterious (REVEL: 0.858). Additionally, another variant in the same codon, p.Arg813Gln is reported in an individual at risk for hereditary breast cancer, but was not determined to be causative (Li 2019). However, given the lack of clinical and functional data, the significance of the p.Arg813Leu variant is uncertain at this time. References: Li JY et al. Germline mutations in 40 cancer susceptibility genes among Chinese patients with high hereditary risk breast cancer. Int J Cancer. 2019 Jan 15;144(2):281-289. PMID: 29752822. Pearlman R et al. Prevalence and Spectrum of Germline Cancer Susceptibility Gene Mutations Among Patients With Early-Onset Colorectal Cancer. JAMA Oncol. 2017 Apr 1;3(4):464-471. PMID: 27978560.

Literature cited by the submitters: PubMed 27978560 (cited by 4 submitters); PubMed 38925456 (cited by Labcorp Genetics (formerly Invitae), Labcorp); PubMed 33471991 (cited by Quest Diagnostics Nichols Institute San Juan Capistrano); PubMed 32547938 (cited by Quest Diagnostics Nichols Institute San Juan Capistrano).

NM_000535.7(PMS2):c.2438G>T (p.Arg813Leu)

Gene: PMS2 (PMS1 homolog 2, mismatch repair system component; minus strand). Cytogenetic location: 7p22.1.
Variant type: single nucleotide variant.
Coding change: c.2438G>T on transcript NM_000535.7 (MANE Select); coding-DNA position 2438, G replaced by T.
Protein change: p.Arg813Leu; replaces arginine 813 with leucine.
Molecular consequence: missense variant. On other transcripts: non-coding transcript variant (1).
Genome position (GRCh38, 1-based): chr7:5,977,595, C>A on the plus strand (G>T on the coding strand, the complement: PMS2 is on the minus strand). VCF-style: chr7-5977595-C-A. GRCh37 (hg19) VCF-style: chr7-6017226-C-A.
Other names: c.2033G>T, p.Arg678Leu (NM_001322003.2, NM_001322004.2, NM_001322005.2); c.2282G>T, p.Arg761Leu (NM_001322006.2); c.2120G>T, p.Arg707Leu (NM_001322007.2, NM_001322008.2); c.2066G>T, p.Arg689Leu (NM_001322009.2); c.1877G>T, p.Arg626Leu (NM_001322010.2); c.1505G>T, p.Arg502Leu (NM_001322011.2, NM_001322012.2); c.1865G>T, p.Arg622Leu (NM_001322013.2); c.2471G>T, p.Arg824Leu (NM_001322014.2); and 1 more; short protein forms R813L, R502L, R626L, R689L, R710L, R622L, R761L, R824L.
Identifiers: ClinVar variation 142715 (VCV000142715.45), dbSNP rs587782665, ClinGen allele CA011492.